The following is an entry in ClinVar:

NM_001009944.3(PKD1):c.12244_12245del (p.Leu4082fs)

Gene: PKD1 (polycystin 1, transient receptor potential channel interacting; minus strand). Cytogenetic location: 16p13.3.
Variant type: Deletion.
Coding change: c.12244_12245del on transcript NM_001009944.3 (MANE Select); coding-DNA positions 12244 to 12245, 2 bases deleted (CT; older notation c.12244_12245delCT).
Protein change: p.Leu4082fs; shifts the reading frame from leucine 4082.
Molecular consequence: frameshift variant.
Genome position (GRCh38, 1-based): chr16:2,090,484-2,090,485, AG deleted on the plus strand (CT on the coding strand, the reverse complement: PKD1 is on the minus strand). VCF-style (leftmost placement, unchanged base first): chr16-2090483-CAG-C. GRCh37 (hg19) VCF-style: chr16-2140484-CAG-C.
Other names: c.12241_12242del, p.Leu4081fs (NM_000296.4); c.12244_12245delCT, p.Leu4082Valfs (NM_001009944.2); short protein forms L4081fs, L4082fs.
Identifiers: ClinVar variation 2443211 (VCV002443211.2), dbSNP rs2544587726, ClinGen allele CA2580091170.

ClinVar aggregate classification (germline): Likely pathogenic (0 of 4 stars; one submission).

Submission:

Genetic Services Laboratory, University of Chicago
Classification: Likely pathogenic. Last evaluated: 2022-04-20. Review status: no assertion criteria provided. Collection method: clinical testing. Allele origin: germline. Affected: yes.
Comment: DNA sequence analysis of the PKD1 gene demonstrated a two base pair deletion in exon 45, c.12244_12245del. This deletion results in an amino acid frameshift and creates a premature stop codon 74 amino acids downstream of the change, p.Leu4082Valfs*74. This sequence change is predicted to result in an abnormal transcript, which may be degraded, or may lead to the production of a truncated PKD1 protein with potentially abnormal function. The c.12244_12245del sequence change has not been described in population databases such as ExAC and gnomAD. This sequence change has previously been described in an individual with autosomal dominant polycystic kidney disease (PMID: 26150605). This sequence change is the most likely cause of this individual's phenotype, however functional studies have not been performed to prove this conclusively.